The following is an entry in ClinVar:

ClinVar aggregate classification (germline): Uncertain significance (1 of 4 stars; one submission).

Submission:

GeneDx
Classification: Uncertain significance. Last evaluated: 2024-06-18. Review status: criteria provided, single submitter. Criteria: GeneDx Variant Classification Process June 2021. Collection method: clinical testing. Allele origin: germline. Affected: yes.
Comment: Not observed at significant frequency in large population cohorts (gnomAD); In silico analysis supports that this missense variant has a deleterious effect on protein structure/function; Has not been previously published as pathogenic or benign to our knowledge

NM_181332.3(NLGN4X):c.1454C>G (p.Ala485Gly)

Gene: NLGN4X (neuroligin 4 X-linked; minus strand). Cytogenetic location: Xp22.32.
Variant type: single nucleotide variant.
Coding change: c.1454C>G on transcript NM_181332.3 (MANE Select); coding-DNA position 1454, C replaced by G.
Protein change: p.Ala485Gly; replaces alanine 485 with glycine.
Molecular consequence: missense variant.
Genome position (GRCh38, 1-based): chrX:5,903,224, G>C on the plus strand (C>G on the coding strand, the complement: NLGN4X is on the minus strand). VCF-style: chrX-5903224-G-C. GRCh37 (hg19) VCF-style: chrX-5821265-G-C.
Other names: c.1454C>G, p.Ala485Gly (NM_001282145.2, NM_001282146.2, NM_020742.4); short protein forms A485G.
Identifiers: ClinVar variation 3391668 (VCV003391668.1).
Genomic context (GRCh38, chrX:5,903,224, plus strand): 5'-GTGGGACCGATCATGGGGATGCCGAAGACATAGGGGACCTCATCACCATGGGCCGAATCT[G>C]CCCAGCTGGGCTTCATTTCGCTTTGGCAGTGATGATAGAAGGCATAGAAGTAGGTGGGGG-3'
Protein context (NP_851849.1, residues 475-495): HCQSEMKPSW[Ala485Gly]DSAHGDEVPY